The following is an entry in ClinVar:

NM_000551.4(VHL):c.549G>T (p.Ser183=)

Genes: VHL (von Hippel-Lindau tumor suppressor; plus strand), LOC107303340 (3p25 von Hippel-Lindau tumor suppressor, E3 ubiquitin protein ligase Alu-mediated recombination region; plus strand). Cytogenetic location: 3p25.3.
Variant type: single nucleotide variant.
Coding change: c.549G>T on transcript NM_000551.4 (MANE Select); coding-DNA position 549, G replaced by T.
Protein change: p.Ser183=; no amino-acid change (serine 183 retained).
Molecular consequence: synonymous variant. On other transcripts: 3 prime UTR variant (1).
Genome position (GRCh38, 1-based): chr3:10,149,872, G>T. VCF-style: chr3-10149872-G-T. GRCh37 (hg19) VCF-style: chr3-10191556-G-T.
Other names: c.*103G>T (NM_001354723.2); c.426G>T, p.Ser142= (NM_198156.3).
Identifiers: ClinVar variation 219886 (VCV000219886.14), dbSNP rs193922614, ClinGen allele CA348201.

ClinVar aggregate classification (germline): Benign/Likely benign. Review status: criteria provided, multiple submitters, no conflicts (2 of 4 stars). 5 submissions from 5 submitters: Benign (1); Likely benign (4). Last evaluated 2026-01-02.

Conditions:
Von Hippel-Lindau syndrome (VHLS). Also called: Von Hippel-Lindau; von Hippel–Lindau syndrome; VHL syndrome. Identifiers: Orphanet 892, MedGen C0019562, MONDO:0008667, OMIM 193300. Disease mechanism: loss of function.
Chuvash polycythemia. Also called: POLYCYTHEMIA, VHL-DEPENDENT. Identifiers: Orphanet 238557, MedGen C1837915, MONDO:0009892, OMIM 263400.
Hereditary cancer-predisposing syndrome. Also called: Tumor predisposition; Hereditary neoplastic syndrome; Neoplastic Syndromes, Hereditary; Hereditary Cancer Syndrome. Identifiers: Orphanet 140162, MedGen C0027672, MeSH D009386, MONDO:0015356.

Allele frequency attached by ClinVar (database versions not stated): TOPMed below 0.00001.

Submissions (5):

Labcorp Genetics (formerly Invitae), Labcorp
Classification: Likely benign for Von Hippel-Lindau syndrome; Chuvash polycythemia. Last evaluated: 2026-01-02. Review status: criteria provided, single submitter. Criteria: Invitae Variant Classification Sherloc (09022015). Collection method: clinical testing. Allele origin: germline.

Myriad Genetics, Inc.
Classification: Benign for Von Hippel-Lindau syndrome. Last evaluated: 2025-06-13. Review status: criteria provided, single submitter. Criteria: Myriad Autosomal Dominant, Autosomal Recessive and X-Linked Classification Criteria (2023). Collection method: clinical testing. Allele origin: unknown.
Comment: This variant is considered benign. This variant is a silent/synonymous amino acid change and it is not expected to impact splicing.

All of Us Research Program, National Institutes of Health
Classification: Likely benign for Von Hippel-Lindau syndrome. Last evaluated: 2024-02-05. Review status: criteria provided, single submitter. Criteria: ACMG Guidelines, 2015. Collection method: clinical testing. Allele origin: germline. Inheritance: Autosomal dominant inheritance. Observed: 1 variant allele, 1 heterozygote.
Comment: This study involves interpretation of variants in research participants for the purpose of population health screening. Participant phenotype was not available at the time of variant classification. Additional details can be found in publication PMID: 35346344, PMCID: PMC8962531

Women's Health and Genetics/Laboratory Corporation of America, LabCorp
Classification: Likely benign. Last evaluated: 2023-09-26. Review status: criteria provided, single submitter. Criteria: LabCorp Variant Classification Summary - May 2015. Collection method: clinical testing. Allele origin: germline.

Ambry Genetics
Classification: Likely benign for Hereditary cancer-predisposing syndrome. Last evaluated: 2022-10-19. Review status: criteria provided, single submitter. Criteria: Ambry Variant Classification Scheme 2023. Collection method: clinical testing. Allele origin: germline.